The following is an entry in ClinVar:

ClinVar aggregate classification (germline): Uncertain significance. Review status: criteria provided, multiple submitters, no conflicts (2 of 4 stars). 2 submissions from 2 submitters: Uncertain significance (2). Last evaluated 2024-03-01.

Allele frequency attached by ClinVar (database versions not stated): ExAC 0.00003; gnomAD exomes 0.00003 and 0.00004; gnomAD 0.00005 and 0.00006; TOPMed 0.00005; ESP Exome Variant Server 0.00016.
gnomAD v4.1: 52 of 1,607,846 alleles (0.0032%); highest among the groups gnomAD compares: East Asian, 0.011%; no homozygotes.

Submissions (2):

CeGaT Center for Human Genetics Tuebingen
Classification: Uncertain significance. Last evaluated: 2024-03-01. Review status: criteria provided, single submitter. Criteria: CeGaT Center For Human Genetics Tuebingen Variant Classification Criteria Version 2. Collection method: clinical testing. Allele origin: germline. Affected: yes. Observed: 1 variant allele.
Comment: COL18A1: PM2, BP4

Labcorp Genetics (formerly Invitae), Labcorp
Classification: Uncertain significance. Last evaluated: 2022-07-27. Review status: criteria provided, single submitter. Criteria: Invitae Variant Classification Sherloc (09022015). Collection method: clinical testing. Allele origin: germline.
Comment: The COL18A1 gene has multiple clinically relevant transcripts. This variant occurs in alternate transcript NM_030582.4, and corresponds to NM_130445.2:c.107-12198C>T in the primary transcript. This sequence change replaces arginine with cysteine at codon 172 of the COL18A1 protein (p.Arg172Cys). This variant is present in population databases (rs368985827, gnomAD 0.02%). This variant has not been reported in the literature in individuals affected with COL18A1-related conditions. ClinVar contains an entry for this variant (Variation ID: 1474381). Experimental studies and prediction algorithms are not available or were not evaluated, and the functional significance of this variant is currently unknown. In summary, the available evidence is currently insufficient to determine the role of this variant in disease. Therefore, it has been classified as a Variant of Uncertain Significance.

NM_001379500.1(COL18A1):c.107-12198C>T

Gene: COL18A1 (collagen type XVIII alpha 1 chain; plus strand). Cytogenetic location: 21q22.3.
Variant type: single nucleotide variant.
Coding change: c.107-12198C>T on transcript NM_001379500.1 (MANE Select); 12198 bases into the intron before coding-DNA position 107, C replaced by T.
Molecular consequence: intron variant. On other transcripts: missense variant (2).
Genome position (GRCh38, 1-based): chr21:45,456,044, C>T. VCF-style: chr21-45456044-C-T. GRCh37 (hg19) VCF-style: chr21-46875958-C-T.
Other names: c.514C>T, p.Arg172Cys (NM_030582.4, NM_130444.3); short protein forms R172C.
Identifiers: ClinVar variation 1474381 (VCV001474381.25), dbSNP rs368985827, ClinGen allele CA10065496.